The following is an entry in ClinVar:

NM_004260.4(RECQL4):c.1805C>T (p.Ala602Val)

Gene: RECQL4 (RecQ like helicase 4; minus strand). Cytogenetic location: 8q24.3.
Variant type: single nucleotide variant.
Coding change: c.1805C>T on transcript NM_004260.4 (MANE Select); coding-DNA position 1805, C replaced by T.
Protein change: p.Ala602Val; replaces alanine 602 with valine.
Molecular consequence: missense variant.
Genome position (GRCh38, 1-based): chr8:144,514,262, G>A on the plus strand (C>T on the coding strand, the complement: RECQL4 is on the minus strand). VCF-style: chr8-144514262-G-A. GRCh37 (hg19) VCF-style: chr8-145739646-G-A.
Other names: short protein forms A602V.
Identifiers: ClinVar variation 528991 (VCV000528991.6), dbSNP rs773424120, ClinGen allele CA4948652.

ClinVar aggregate classification (germline): Uncertain significance. Review status: criteria provided, multiple submitters, no conflicts (2 of 4 stars). 2 submissions from 2 submitters: Uncertain significance (2). Last evaluated 2024-11-21.

Conditions:
Baller-Gerold syndrome (BGS). Also called: CRANIOSYNOSTOSIS WITH RADIAL DEFECTS. Identifiers: Orphanet 1225, MedGen C0265308, MONDO:0009039, OMIM 218600.
Inborn genetic diseases. Identifiers: MedGen C0950123, MeSH D030342.

Allele frequency attached by ClinVar (database versions not stated): gnomAD exomes below 0.00001 and 0.00001; ExAC 0.00001; gnomAD 0.00001; TOPMed 0.00001.

Submissions (2):

Ambry Genetics
Classification: Uncertain significance for Inborn genetic diseases. Last evaluated: 2024-11-21. Review status: criteria provided, single submitter. Criteria: Ambry Variant Classification Scheme 2023. Collection method: clinical testing. Allele origin: germline.
Comment: The p.A602V variant (also known as c.1805C>T), located in coding exon 11 of the RECQL4 gene, results from a C to T substitution at nucleotide position 1805. The alanine at codon 602 is replaced by valine, an amino acid with similar properties. This amino acid position is conserved. In addition, the in silico prediction for this alteration is inconclusive. Based on the available evidence, the clinical significance of this variant remains unclear.

Labcorp Genetics (formerly Invitae), Labcorp
Classification: Uncertain significance for Baller-Gerold syndrome. Last evaluated: 2023-10-16. Review status: criteria provided, single submitter. Criteria: Invitae Variant Classification Sherloc (09022015). Collection method: clinical testing. Allele origin: germline.
Comment: This sequence change replaces alanine, which is neutral and non-polar, with valine, which is neutral and non-polar, at codon 602 of the RECQL4 protein (p.Ala602Val). This variant is present in population databases (rs773424120, gnomAD 0.007%). This variant has not been reported in the literature in individuals affected with RECQL4-related conditions. ClinVar contains an entry for this variant (Variation ID: 528991). Advanced modeling of protein sequence and biophysical properties (such as structural, functional, and spatial information, amino acid conservation, physicochemical variation, residue mobility, and thermodynamic stability) performed at Invitae indicates that this missense variant is not expected to disrupt RECQL4 protein function. In summary, the available evidence is currently insufficient to determine the role of this variant in disease. Therefore, it has been classified as a Variant of Uncertain Significance.